The following is an entry in ClinVar:

ClinVar aggregate classification (germline): Likely benign. Review status: criteria provided, multiple submitters, no conflicts (2 of 4 stars). 3 submissions from 3 submitters: Likely benign (3). Last evaluated 2024-05-02.

Conditions:
Ehlers-Danlos syndrome, classic type, 1 (EDSCL1). Also called: EDS I; Ehlers-Danlos Syndrome, Classic Type, COL5A1-Related; Ehlers-Danlos syndrome, type 1; EHLERS-DANLOS SYNDROME, GRAVIS TYPE; EHLERS-DANLOS SYNDROME, SEVERE CLASSIC TYPE. Identifiers: MedGen C0268335, MONDO:0019567, OMIM 130000.
Osteogenesis imperfecta type I (OI1). Also called: Classic Non-deforming Osteogenesis Imperfecta with Blue Sclerae; Lobstein's Disease; Lobstein disease; OI, TYPE I; OSTEOGENESIS IMPERFECTA TARDA; OSTEOGENESIS IMPERFECTA WITH BLUE SCLERAE. Identifiers: Orphanet 216796, Orphanet 666, MedGen C0023931, MONDO:0008146, OMIM 166200. Disease mechanism: loss of function.

Allele frequency attached by ClinVar (database versions not stated): gnomAD exomes below 0.00001.
gnomAD v4.1: 5 of 1,304,488 alleles (0.00038%); highest among the groups gnomAD compares: East Asian, 0.0024%; no homozygotes.

Submissions (3):

Labcorp Genetics (formerly Invitae), Labcorp
Classification: Likely benign for Osteogenesis imperfecta type I; Ehlers-Danlos syndrome, classic type, 1. Last evaluated: 2024-05-02. Review status: criteria provided, single submitter. Criteria: Invitae Variant Classification Sherloc (09022015). Collection method: clinical testing. Allele origin: germline.

Women's Health and Genetics/Laboratory Corporation of America, LabCorp
Classification: Likely benign. Last evaluated: 2023-08-23. Review status: criteria provided, single submitter. Criteria: LabCorp Variant Classification Summary - May 2015. Collection method: clinical testing. Allele origin: germline.
Comment: Variant summary: COL1A2 c.81+12T>C alters a nucleotide located at a position not widely known to affect splicing. Consensus agreement among computation tools predict no significant impact on normal splicing. However, these predictions have yet to be confirmed by functional studies. The variant was absent in 233002 control chromosomes. The available data on variant occurrences in the general population are insufficient to allow any conclusion about variant significance. To our knowledge, no occurrence of c.81+12T>C in individuals affected with Ehlers-Danlos Syndrome and no experimental evidence demonstrating its impact on protein function have been reported. No submitters have cited clinical-significance assessments for this variant to ClinVar after 2014. Based on the evidence outlined above, the variant was classified as likely benign.

Blueprint Genetics
Classification: Likely benign. Last evaluated: 2023-06-22. Review status: criteria provided, single submitter. Criteria: ACMG Guidelines, 2015. Collection method: clinical testing. Allele origin: germline.

NM_000089.4(COL1A2):c.81+12T>C

Gene: COL1A2 (collagen type I alpha 2 chain; plus strand). Cytogenetic location: 7q21.3.
Variant type: single nucleotide variant.
Coding change: c.81+12T>C on transcript NM_000089.4 (MANE Select); 12 bases into the intron after coding-DNA position 81, T replaced by C.
Molecular consequence: intron variant.
Genome position (GRCh38, 1-based): chr7:94,397,770, T>C. VCF-style: chr7-94397770-T-C. GRCh37 (hg19) VCF-style: chr7-94027082-T-C.
Identifiers: ClinVar variation 2581303 (VCV002581303.4), dbSNP rs1791612154, ClinGen allele CA2582341733.